The following is an entry in ClinVar:

ClinVar aggregate classification (germline): Uncertain significance (1 of 4 stars; one submission).

Allele frequency attached by ClinVar (database versions not stated): gnomAD exomes below 0.00001 and 0.00003.
gnomAD v4.1: 15 of 1,614,032 alleles (0.00093%); highest among the groups gnomAD compares: East Asian, 0.029%; no homozygotes.

Submission:

Labcorp Genetics (formerly Invitae), Labcorp
Classification: Uncertain significance. Last evaluated: 2022-10-04. Review status: criteria provided, single submitter. Criteria: Invitae Variant Classification Sherloc (09022015). Collection method: clinical testing. Allele origin: germline.
Comment: This variant has not been reported in the literature in individuals affected with CNGA1-related conditions. This variant is present in population databases (no rsID available, gnomAD 0.003%). This sequence change replaces isoleucine, which is neutral and non-polar, with threonine, which is neutral and polar, at codon 396 of the CNGA1 protein (p.Ile396Thr). ClinVar contains an entry for this variant (Variation ID: 837919). In summary, the available evidence is currently insufficient to determine the role of this variant in disease. Therefore, it has been classified as a Variant of Uncertain Significance. Advanced modeling of protein sequence and biophysical properties (such as structural, functional, and spatial information, amino acid conservation, physicochemical variation, residue mobility, and thermodynamic stability) performed at Invitae indicates that this missense variant is not expected to disrupt CNGA1 protein function.

NM_001379270.1(CNGA1):c.1175T>C (p.Ile392Thr)

Genes: CNGA1 (cyclic nucleotide gated channel subunit alpha 1; minus strand), LOC101927157 (uncharacterized LOC101927157; plus strand). Cytogenetic location: 4p12.
Variant type: single nucleotide variant.
Coding change: c.1175T>C on transcript NM_001379270.1 (MANE Select); coding-DNA position 1175, T replaced by C.
Protein change: p.Ile392Thr; replaces isoleucine 392 with threonine.
Molecular consequence: missense variant.
Genome position (GRCh38, 1-based): chr4:47,937,307, A>G on the plus strand (T>C on the coding strand, the complement: CNGA1 is on the minus strand). VCF-style: chr4-47937307-A-G. GRCh37 (hg19) VCF-style: chr4-47939324-A-G.
Other names: c.1175T>C, p.Ile392Thr (NM_000087.5, NM_001142564.2); short protein forms I392T.
Identifiers: ClinVar variation 837919 (VCV000837919.9), dbSNP rs1213442244, ClinGen allele CA356826785.